The following is an entry in ClinVar:

ClinVar aggregate classification (germline): Likely benign (0 of 4 stars; one submission).

Conditions:
RECQL5-related disorder. Also called: RECQL5-related condition.

Allele frequency attached by ClinVar (database versions not stated): gnomAD exomes 0.00005; TOPMed 0.00009; ExAC 0.00012; gnomAD 0.00016; 1000 Genomes Project 30x 0.00047; 1000 Genomes Project 0.00060.
gnomAD v4.1: 102 of 1,612,396 alleles (0.0063%); highest among the groups gnomAD compares: East Asian, 0.058%; no homozygotes.

Submission:

PreventionGenetics, part of Exact Sciences
Classification: Likely benign for RECQL5-related condition. Last evaluated: 2022-04-04. Review status: no assertion criteria provided. Collection method: clinical testing. Allele origin: germline.
Comment: This variant is classified as likely benign based on ACMG/AMP sequence variant interpretation guidelines (Richards et al. 2015 PMID: 25741868, with internal and published modifications).

NM_004259.7(RECQL5):c.1281C>T (p.Cys427=)

Gene: RECQL5 (RecQ like helicase 5; minus strand). Cytogenetic location: 17q25.1.
Variant type: single nucleotide variant.
Coding change: c.1281C>T on transcript NM_004259.7 (MANE Select); coding-DNA position 1281, C replaced by T.
Protein change: p.Cys427=; no amino-acid change (cysteine 427 retained).
Molecular consequence: synonymous variant.
Genome position (GRCh38, 1-based): chr17:75,631,617, G>A on the plus strand (C>T on the coding strand, the complement: RECQL5 is on the minus strand). VCF-style: chr17-75631617-G-A. GRCh37 (hg19) VCF-style: chr17-73627697-G-A.
Identifiers: ClinVar variation 3054935 (VCV003054935.2), dbSNP rs199956398, ClinGen allele CA8767580.
Genomic context (GRCh38, chr17:75,631,617, plus strand): 5'-CAAGGCCTCCAGCCGCCTCCGCACGGCCGTGGGGTTCTGGCAGTGGTCGCAGCCTTTGGC[G>A]CAGGCAGGCAGCGCATCCCCGAAGTACTTGGCAATGGCGGCATGGCGGCACCTGGAGCAG-3'
Protein context (NP_004250.4, residues 417-437): AKYFGDALPA[Cys427=]AKGCDHCQNP